The following is an entry in ClinVar:

NM_002335.4(LRP5):c.913G>A (p.Gly305Ser)

Gene: LRP5 (LDL receptor related protein 5; plus strand). Cytogenetic location: 11q13.2.
Variant type: single nucleotide variant.
Coding change: c.913G>A on transcript NM_002335.4 (MANE Select); coding-DNA position 913, G replaced by A.
Protein change: p.Gly305Ser; replaces glycine 305 with serine.
Molecular consequence: missense variant. On other transcripts: 5 prime UTR variant (1).
Genome position (GRCh38, 1-based): chr11:68,365,600, G>A. VCF-style: chr11-68365600-G-A. GRCh37 (hg19) VCF-style: chr11-68133068-G-A.
Other names: c.913G>A (NM_002335.2, NM_002335.3); c.-853G>A (NM_001291902.2); short protein forms G305S.
Identifiers: ClinVar variation 1064518 (VCV001064518.11), dbSNP rs377176311, ClinGen allele CA6149163.

ClinVar aggregate classification (germline): Uncertain significance. Review status: criteria provided, multiple submitters, no conflicts (2 of 4 stars). 4 submissions from 4 submitters: Uncertain significance (4). Last evaluated 2026-02-16.

Conditions:
Inborn genetic diseases. Identifiers: MedGen C0950123, MeSH D030342.
Bone mineral density quantitative trait locus 1 (BMND1). Identifiers: MedGen C1866079, OMIM 601884.
LRP5-related disorder. Also called: LRP5-related condition.

Allele frequency attached by ClinVar (database versions not stated): gnomAD 0.00001; gnomAD exomes 0.00001; ExAC 0.00002; TOPMed 0.00002.
gnomAD v4.1: 16 of 1,613,900 alleles (0.00099%); highest among the groups gnomAD compares: Non-Finnish European, 0.0013%; no homozygotes.

Submissions (4):

Ambry Genetics
Classification: Uncertain significance for Inborn genetic diseases. Last evaluated: 2026-02-16. Review status: criteria provided, single submitter. Criteria: Ambry Variant Classification Scheme 2023. Collection method: clinical testing. Allele origin: germline.

Labcorp Genetics (formerly Invitae), Labcorp
Classification: Uncertain significance. Last evaluated: 2025-06-09. Review status: criteria provided, single submitter. Criteria: Invitae Variant Classification Sherloc (09022015). Collection method: clinical testing. Allele origin: germline.
Comment: This sequence change replaces glycine, which is neutral and non-polar, with serine, which is neutral and polar, at codon 305 of the LRP5 protein (p.Gly305Ser). This variant is present in population databases (rs377176311, gnomAD 0.003%). This variant has not been reported in the literature in individuals affected with LRP5-related conditions. ClinVar contains an entry for this variant (Variation ID: 1064518). Invitae Evidence Modeling of protein sequence and biophysical properties (such as structural, functional, and spatial information, amino acid conservation, physicochemical variation, residue mobility, and thermodynamic stability) has been performed for this missense variant. However, the output from this modeling did not meet the statistical confidence thresholds required to predict the impact of this variant on LRP5 protein function. In summary, the available evidence is currently insufficient to determine the role of this variant in disease. Therefore, it has been classified as a Variant of Uncertain Significance.

PreventionGenetics, part of Exact Sciences
Classification: Uncertain significance for LRP5-related condition. Last evaluated: 2025-03-28. Review status: criteria provided, single submitter. Criteria: ACMG Guidelines, 2015. Collection method: clinical testing. Allele origin: germline.
Comment: The LRP5 c.913G>A variant is predicted to result in the amino acid substitution p.Gly305Ser. To our knowledge, this variant has not been reported in the literature. This variant is reported in 0.0027% of alleles in individuals of European (Non-Finnish) descent in gnomAD. At this time, the clinical significance of this variant is uncertain due to the absence of conclusive functional and genetic evidence.

Institute of Human Genetics, University of Goettingen
Classification: Uncertain significance for Bone mineral density quantitative trait locus 1. Last evaluated: 2021-04-15. Review status: criteria provided, single submitter. Criteria: ACMG Guidelines, 2015. Collection method: clinical testing. Allele origin: unknown. Inheritance: Autosomal dominant inheritance. Observed: 1 variant allele, 1 heterozygote.
Comment: The LRP5 variant c.913G>A (p.(Gly305Ser)) is found at a population frequency of 0.0012% in the gnomAD database, it affects a highly conserved nucleotide and a highly conserved amino acid within a protein domain and there is a small physicochemical difference between Gly and Ser. This variant has a pathogenic computational verdict based on in silico prediction programs (BayesDel_addAF, DANN, DEOGEN2, FATHMM-MKL, LIST-S2, M-CAP, MVP, MutationAssessor, MutationTaster). ACMG criteria used for classification: PM1_supp, PM2_supp, PP2, PP3.